The following is an entry in ClinVar:

ClinVar aggregate classification (germline): Likely benign (1 of 4 stars; one submission).

Allele frequency attached by ClinVar (database versions not stated): gnomAD exomes 0.00004; ExAC 0.00005; ESP Exome Variant Server 0.00008; gnomAD 0.00015 and 0.00016; 1000 Genomes Project 30x 0.00016; 1000 Genomes Project 0.00020; TOPMed 0.00020.

Submission:

GeneDx
Classification: Likely benign. Last evaluated: 2021-05-21. Review status: criteria provided, single submitter. Criteria: GeneDx Variant Classification Process June 2021. Collection method: clinical testing. Allele origin: germline. Affected: yes.
Comment: See Variant Classification Assertion Criteria.

NM_003793.4(CTSF):c.313-13C>T

Gene: CTSF (cathepsin F; minus strand). Cytogenetic location: 11q13.2.
Variant type: single nucleotide variant.
Coding change: c.313-13C>T on transcript NM_003793.4 (MANE Select); 13 bases into the intron before coding-DNA position 313, C replaced by T.
Molecular consequence: intron variant.
Genome position (GRCh38, 1-based): chr11:66,567,675, G>A on the plus strand (C>T on the coding strand, the complement: CTSF is on the minus strand). VCF-style: chr11-66567675-G-A. GRCh37 (hg19) VCF-style: chr11-66335146-G-A.
Identifiers: ClinVar variation 1684110 (VCV001684110.2), dbSNP rs201601493, ClinGen allele CA6125619.